The following is an entry in ClinVar:

NM_003859.3(DPM1):c.358G>C (p.Asp120His)

Gene: DPM1 (dolichyl-phosphate mannosyltransferase subunit 1, catalytic; minus strand). Cytogenetic location: 20q13.13.
Variant type: single nucleotide variant.
Coding change: c.358G>C on transcript NM_003859.3 (MANE Select); coding-DNA position 358, G replaced by C.
Protein change: p.Asp120His; replaces aspartic acid 120 with histidine.
Molecular consequence: missense variant. On other transcripts: non-coding transcript variant (1).
Genome position (GRCh38, 1-based): chr20:50,945,861, C>G on the plus strand (G>C on the coding strand, the complement: DPM1 is on the minus strand). VCF-style: chr20-50945861-C-G. GRCh37 (hg19) VCF-style: chr20-49562398-C-G.
Other names: c.358G>C, p.Asp120His (NM_001317034.1, NM_001317035.1, NM_001317036.1); short protein forms D120H.
Identifiers: ClinVar variation 2016876 (VCV002016876.4), dbSNP rs2515723678, ClinGen allele CA408989666.
Genomic context (GRCh38, chr20:50,945,861, plus strand): 5'-AGGCTAAGACTACCATAAATAGCTAATAAAGAAACATACCACTTACATGGTGTGAGAGAT[C>G]AGCATCCATAATAATGATGTAGTTTCCTGTGGCATGTTTCATTCCATGAATATATGCAGT-3'
Protein context (NP_003850.1, residues 110-130): TGNYIIIMDA[Asp120His]LSHHPKFIPE

ClinVar aggregate classification (germline): Uncertain significance (1 of 4 stars; one submission).

Conditions:
Congenital disorder of glycosylation type 1E (CDG1E). Also called: CONGENITAL DISORDER OF GLYCOSYLATION, TYPE Ie; CDG Ie. Identifiers: Orphanet 79322, MedGen C1837396, MONDO:0012123, OMIM 608799.

Submission:

Labcorp Genetics (formerly Invitae), Labcorp
Classification: Uncertain significance for Congenital disorder of glycosylation type 1E. Last evaluated: 2022-08-22. Review status: criteria provided, single submitter. Criteria: Invitae Variant Classification Sherloc (09022015). Collection method: clinical testing. Allele origin: germline.
Comment: This sequence change replaces aspartic acid, which is acidic and polar, with histidine, which is basic and polar, at codon 120 of the DPM1 protein (p.Asp120His). This variant is not present in population databases (gnomAD no frequency). This variant has not been reported in the literature in individuals affected with DPM1-related conditions. Algorithms developed to predict the effect of missense changes on protein structure and function are either unavailable or do not agree on the potential impact of this missense change (SIFT: "Deleterious"; PolyPhen-2: "Probably Damaging"; Align-GVGD: "Class C0"). In summary, the available evidence is currently insufficient to determine the role of this variant in disease. Therefore, it has been classified as a Variant of Uncertain Significance.